The following is an entry in ClinVar:

ClinVar aggregate classification (germline): Uncertain significance (1 of 4 stars; one submission).

Conditions:
Inborn genetic diseases. Identifiers: MedGen C0950123, MeSH D030342.

gnomAD v4.1: 1 of 1,613,330 alleles (0.000062%); highest among the groups gnomAD compares: South Asian, 0.0011%; no homozygotes.

Submission:

Ambry Genetics
Classification: Uncertain significance for Inborn genetic diseases. Last evaluated: 2025-02-04. Review status: criteria provided, single submitter. Criteria: Ambry Variant Classification Scheme 2023. Collection method: clinical testing. Allele origin: germline.
Comment: The p.M234I variant (also known as c.702G>A), located in coding exon 7 of the FANCA gene, results from a G to A substitution at nucleotide position 702. The methionine at codon 234 is replaced by isoleucine, an amino acid with highly similar properties. This amino acid position is conserved. In addition, this alteration is predicted to be tolerated by in silico analysis. Based on the available evidence, the clinical significance of this variant remains unclear.

NM_000135.4(FANCA):c.702G>A (p.Met234Ile)

Gene: FANCA (FA complementation group A; minus strand). Cytogenetic location: 16q24.3.
Variant type: single nucleotide variant.
Coding change: c.702G>A on transcript NM_000135.4 (MANE Select); coding-DNA position 702, G replaced by A.
Protein change: p.Met234Ile; replaces methionine 234 with isoleucine.
Molecular consequence: missense variant.
Genome position (GRCh38, 1-based): chr16:89,805,287, C>T on the plus strand (G>A on the coding strand, the complement: FANCA is on the minus strand). VCF-style: chr16-89805287-C-T. GRCh37 (hg19) VCF-style: chr16-89871695-C-T.
Other names: c.702G>A, p.Met234Ile (NM_001018112.3, NM_001286167.3); c.606G>A, p.Met202Ile (NM_001351830.2); short protein forms M234I, M202I.
Identifiers: ClinVar variation 3848187 (VCV003848187.1).